The following is an entry in ClinVar:

ClinVar aggregate classification (germline): Uncertain significance (1 of 4 stars; one submission).

Conditions:
CNTNAP5-related disorder. Also called: CNTNAP5-related condition.

gnomAD v4.1: 1 of 1,613,562 alleles (0.000062%); highest among the groups gnomAD compares: Non-Finnish European, 0.000085%; no homozygotes.

Submission:

PreventionGenetics, part of Exact Sciences
Classification: Uncertain significance for CNTNAP5-related condition. Last evaluated: 2024-10-17. Review status: criteria provided, single submitter. Criteria: ACMG Guidelines, 2015. Collection method: clinical testing. Allele origin: germline.
Comment: The CNTNAP5 c.2557G>A variant is predicted to result in the amino acid substitution p.Asp853Asn. To our knowledge, this variant has not been reported in the literature or in a large population database (gnomAD), indicating this variant is rare. At this time, the clinical significance of this variant is uncertain due to the absence of conclusive functional and genetic evidence.

NM_001367498.1(CNTNAP5):c.2560G>A (p.Asp854Asn)

Gene: CNTNAP5 (contactin associated protein family member 5; plus strand). Cytogenetic location: 2q14.3.
Variant type: single nucleotide variant.
Coding change: c.2560G>A on transcript NM_001367498.1 (MANE Select); coding-DNA position 2560, G replaced by A.
Protein change: p.Asp854Asn; replaces aspartic acid 854 with asparagine.
Molecular consequence: missense variant.
Genome position (GRCh38, 1-based): chr2:124,772,825, G>A. VCF-style: chr2-124772825-G-A. GRCh37 (hg19) VCF-style: chr2-125530402-G-A.
Other names: c.2557G>A, p.Asp853Asn (NM_130773.4); short protein forms D853N, D854N.
Identifiers: ClinVar variation 4978735 (VCV004978735.1).